The following is an entry in ClinVar:

ClinVar aggregate classification (germline): Likely pathogenic (1 of 4 stars; one submission).

Conditions:
Inflammatory bowel disease 25. Also called: Inflammatory bowel disease 25, early onset, autosomal recessive. Identifiers: Orphanet 238569, MedGen C2675508, MONDO:0012941, OMIM 612567.

Submission:

Labcorp Genetics (formerly Invitae), Labcorp
Classification: Likely pathogenic for Inflammatory bowel disease 25. Last evaluated: 2020-06-10. Review status: criteria provided, single submitter. Criteria: Invitae Variant Classification Sherloc (09022015). Collection method: clinical testing. Allele origin: germline.
Comment: This variant is not present in population databases (ExAC no frequency). In summary, the currently available evidence indicates that the variant is pathogenic, but additional data are needed to prove that conclusively. Therefore, this variant has been classified as Likely Pathogenic. Donor and acceptor splice site variants typically lead to a loss of protein function (PMID: 16199547), and loss-of-function variants in IL10RB are known to be pathogenic (PMID: 22549091). Algorithms developed to predict the effect of sequence changes on RNA splicing suggest that this variant may disrupt the consensus splice site, but this prediction has not been confirmed by published transcriptional studies. This variant has not been reported in the literature in individuals with IL10RB-related conditions. This sequence change affects a donor splice site in intron 1 of the IL10RB gene. It is expected to disrupt RNA splicing and likely results in an absent or disrupted protein product.

Literature cited by the submitters: PubMed 16199547; PubMed 22549091.

NM_000628.5(IL10RB):c.49+2T>G

Genes: IL10RB (interleukin 10 receptor subunit beta; plus strand), IFNAR2-IL10RB (IFNAR2-IL10RB readthrough; plus strand), LOC130066558 (ATAC-STARR-seq lymphoblastoid silent region 13254; plus strand). Cytogenetic location: 21q22.11.
Variant type: single nucleotide variant.
Coding change: c.49+2T>G on transcript NM_000628.5 (MANE Select); the canonical splice donor site of the intron after coding-DNA position 49, T replaced by G.
Molecular consequence: splice donor variant. On other transcripts: intron variant (1).
Genome position (GRCh38, 1-based): chr21:33,266,516, T>G. VCF-style: chr21-33266516-T-G. GRCh37 (hg19) VCF-style: chr21-34638821-T-G.
Other names: c.710-1878T>G (NM_001414505.1); c.49+2T>G (NM_001405849.1, NM_001405850.1, NM_001406840.1).
Identifiers: ClinVar variation 1066682 (VCV001066682.7), dbSNP rs2123556583, ClinGen allele CA410106946.